The following is an entry in ClinVar:

NM_006648.4(WNK2):c.3722C>T (p.Ala1241Val)

Gene: WNK2 (WNK lysine deficient protein kinase 2; plus strand). Cytogenetic location: 9q22.31.
Variant type: single nucleotide variant.
Coding change: c.3722C>T on transcript NM_006648.4 (MANE Select); coding-DNA position 3722, C replaced by T.
Protein change: p.Ala1241Val; replaces alanine 1241 with valine.
Molecular consequence: missense variant.
Genome position (GRCh38, 1-based): chr9:93,267,771, C>T. VCF-style: chr9-93267771-C-T. GRCh37 (hg19) VCF-style: chr9-96030053-C-T.
Other names: c.3722C>T, p.Ala1241Val (NM_001282394.3); short protein forms A1241V.
Identifiers: ClinVar variation 3470139 (VCV003470139.1).

ClinVar aggregate classification (germline): Uncertain significance (1 of 4 stars; one submission).

gnomAD v4.1: 5 of 1,605,616 alleles (0.00031%); highest among the groups gnomAD compares: South Asian, 0.0022%; no homozygotes.

Submission:

Ambry Genetics
Classification: Uncertain significance. Last evaluated: 2024-11-17. Review status: criteria provided, single submitter. Criteria: Ambry Variant Classification Scheme 2023. Collection method: clinical testing. Allele origin: germline.
Comment: The p.A1241V variant (also known as c.3722C>T), located in coding exon 16 of the WNK2 gene, results from a C to T substitution at nucleotide position 3722. The alanine at codon 1241 is replaced by valine, an amino acid with similar properties. This amino acid position is conserved. In addition, this alteration is predicted to be tolerated by in silico analysis. Based on the available evidence, the clinical significance of this variant remains unclear.